The following is an entry in ClinVar:

NM_003105.6(SORL1):c.4582A>G (p.Ile1528Val)

Gene: SORL1 (sortilin related receptor 1; plus strand). Cytogenetic location: 11q24.1.
Variant type: single nucleotide variant.
Coding change: c.4582A>G on transcript NM_003105.6 (MANE Select); coding-DNA position 4582, A replaced by G.
Protein change: p.Ile1528Val; replaces isoleucine 1528 with valine.
Molecular consequence: missense variant.
Genome position (GRCh38, 1-based): chr11:121,604,255, A>G. VCF-style: chr11-121604255-A-G. GRCh37 (hg19) VCF-style: chr11-121474964-A-G.
Other names: short protein forms I1528V.
Identifiers: ClinVar variation 3689971 (VCV003689971.2).

ClinVar aggregate classification (germline): Uncertain significance (1 of 4 stars; one submission).

gnomAD v4.1: 1 of 1,613,382 alleles (0.000062%); highest among the groups gnomAD compares: Non-Finnish European, 0.000085%; no homozygotes.

Submission:

Labcorp Genetics (formerly Invitae), Labcorp
Classification: Uncertain significance. Last evaluated: 2025-02-13. Review status: criteria provided, single submitter. Criteria: Invitae Variant Classification Sherloc (09022015). Collection method: clinical testing. Allele origin: germline.
Comment: This sequence change replaces isoleucine, which is neutral and non-polar, with valine, which is neutral and non-polar, at codon 1528 of the SORL1 protein (p.Ile1528Val). This variant is not present in population databases (gnomAD no frequency). This variant has not been reported in the literature in individuals affected with SORL1-related conditions. An algorithm developed to predict the effect of missense changes on protein structure and function outputs the following: PolyPhen-2: "Benign". The valine amino acid residue is found in multiple mammalian species, which suggests that this missense change does not adversely affect protein function. In summary, the available evidence is currently insufficient to determine the role of this variant in disease. Therefore, it has been classified as a Variant of Uncertain Significance.